The following is an entry in ClinVar:

ClinVar aggregate classification (germline): Likely pathogenic. Review status: criteria provided, multiple submitters, no conflicts (2 of 4 stars). 2 submissions from 2 submitters: Likely pathogenic (2). Last evaluated 2025-10-19.

Conditions:
Long QT syndrome (LQTS). Identifiers: MedGen C0023976, MeSH D008133, MONDO:0002442. Disease mechanism: loss of function. Inheritance: Various modes of inheritance.
Cardiovascular phenotype. Identifiers: MedGen CN230736.

Submissions (2):

Labcorp Genetics (formerly Invitae), Labcorp
Classification: Likely pathogenic for Long QT syndrome. Last evaluated: 2025-10-19. Review status: criteria provided, single submitter. Criteria: Invitae Variant Classification Sherloc (09022015). Collection method: clinical testing. Allele origin: germline.
Comment: This sequence change affects an acceptor splice site in intron 8 of the KCNH2 gene. It is expected to disrupt RNA splicing. Variants that disrupt the donor or acceptor splice site typically lead to a loss of protein function (PMID: 16199547), and loss-of-function variants in KCNH2 are known to be pathogenic (PMID: 10973849, 19862833). This variant is not present in population databases (gnomAD no frequency). This variant has not been reported in the literature in individuals affected with KCNH2-related conditions. ClinVar contains an entry for this variant (Variation ID: 1786650). Algorithms developed to predict the effect of sequence changes on RNA splicing suggest that this variant may disrupt the consensus splice site. In summary, the currently available evidence indicates that the variant is pathogenic, but additional data are needed to prove that conclusively. Therefore, this variant has been classified as Likely Pathogenic.

Ambry Genetics
Classification: Likely pathogenic for Cardiovascular phenotype. Last evaluated: 2018-06-06. Review status: criteria provided, single submitter. Criteria: Ambry Variant Classification Scheme 2023. Collection method: clinical testing. Allele origin: germline.
Comment: The c.2146-1G>C intronic variant results from a G to C substitution one nucleotide upstream from coding exon 9 of the KCNH2 gene. This nucleotide position is highly conserved in available vertebrate species. Using the BDGP and ESEfinder splice site prediction tools, this alteration is predicted to abolish the native splice acceptor site; however, direct evidence is unavailable. Alterations that disrupt the canonical splice site are expected to cause aberrant splicing, resulting in an abnormal protein or a transcript that is subject to nonsense-mediated mRNA decay. As such, this alteration is classified as likely pathogenic.

Literature cited by the submitters: PubMed 16199547 (cited by Labcorp Genetics (formerly Invitae), Labcorp); PubMed 10973849 (cited by Labcorp Genetics (formerly Invitae), Labcorp); PubMed 19862833 (cited by Labcorp Genetics (formerly Invitae), Labcorp).

NM_000238.4(KCNH2):c.2146-1G>C

Gene: KCNH2 (potassium voltage-gated channel subfamily H member 2; minus strand). Cytogenetic location: 7q36.1.
Variant type: single nucleotide variant.
Coding change: c.2146-1G>C on transcript NM_000238.4 (MANE Select); the canonical splice acceptor site of the intron before coding-DNA position 2146, G replaced by C.
Molecular consequence: splice acceptor variant.
Genome position (GRCh38, 1-based): chr7:150,950,421, C>G on the plus strand (G>C on the coding strand, the complement: KCNH2 is on the minus strand). VCF-style: chr7-150950421-C-G. GRCh37 (hg19) VCF-style: chr7-150647509-C-G.
Other names: c.1858-1G>C (NM_001406753.1, NM_001406756.1); c.1126-1G>C (NM_172057.3, NM_001204798.2); c.2146-1G>C (NM_172056.3); c.1969-1G>C (NM_001406755.1); c.1846-1G>C (NM_001406757.1).
Identifiers: ClinVar variation 1786650 (VCV001786650.7), dbSNP rs2116950992, ClinGen allele CA369856771.